The following is an entry in ClinVar:

NM_177924.5(ASAH1):c.848_849delinsC (p.Leu283fs)

Gene: ASAH1 (N-acylsphingosine amidohydrolase 1; minus strand). Cytogenetic location: 8p22.
Variant type: Indel.
Coding change: c.848_849delinsC on transcript NM_177924.5 (MANE Select); coding-DNA positions 848 to 849, TG replaced by C.
Protein change: p.Leu283fs; shifts the reading frame from leucine 283.
Molecular consequence: frameshift variant.
Genome position (GRCh38, 1-based): chr8:18,059,640-18,059,641, CA replaced by G on the plus strand (TG replaced by C on the coding strand, the reverse complement: ASAH1 is on the minus strand). VCF-style: chr8-18059640-CA-G. GRCh37 (hg19) VCF-style: chr8-17917149-CA-G.
Other names: c.830_831delinsC, p.Leu277fs (NM_001127505.3); c.653_654delinsC, p.Leu218fs (NM_001363743.2); c.896_897delinsC, p.Leu299fs (NM_004315.6); short protein forms L218fs, L277fs, L283fs, L299fs.
Identifiers: ClinVar variation 3896780 (VCV003896780.1).
Genomic context (GRCh38, chr8:18,059,640, plus strand): 5'-ATCCAATGATTCCTTTCTGTCTCGTGTAATCACACAACCTTCCCCAGACTGGTTGCCTCC[CA>G]GGATAAAGTAGGCTGGGGCCAATATCTTGGTCTTGGTCAATAAATTCTTGGCTTCTTCAT-3'

ClinVar aggregate classification (germline): Likely pathogenic (1 of 4 stars; one submission).

Conditions:
Spinal muscular atrophy-progressive myoclonic epilepsy syndrome. Also called: MYOCLONUS, HEREDITARY, WITH PROGRESSIVE DISTAL MUSCULAR ATROPHY; Hereditary myoclonus and progressive distal muscular atrophy; Spinal muscular atrophy with progressive myoclonic epilepsy; Spinal Muscular Atrophy with Progressive Myoclonic Epilepsy (SMA-PME). Identifiers: Orphanet 2590, MedGen C1834569, MONDO:0008045, OMIM 159950.

Submission:

Kariminejad - Najmabadi Pathology & Genetics Center
Classification: Likely pathogenic for Spinal muscular atrophy-progressive myoclonic epilepsy syndrome. Last evaluated: 2021-06-19. Review status: criteria provided, single submitter. Criteria: ACMG Guidelines, 2015. Collection method: clinical testing. Allele origin: germline. Inheritance: Autosomal recessive inheritance. Affected: yes.
Comment: PVS1 PM2